The following is an entry in ClinVar:

NM_001164508.2(NEB):c.24984del (p.Tyr8329fs)

Genes: RIF1 (replication timing regulatory factor 1; plus strand), NEB (nebulin; minus strand). Cytogenetic location: 2q23.3.
Variant type: Deletion.
Coding change: c.24984del on transcript NM_001164508.2 (MANE Select); coding-DNA position 24984, one base deleted (C; older notation c.24984delC).
Protein change: p.Tyr8329fs; shifts the reading frame from tyrosine 8329.
Molecular consequence: frameshift variant.
Genome position (GRCh38, 1-based): chr2:151,492,171, G deleted on the plus strand (C on the coding strand, the reverse complement: NEB is on the minus strand). VCF-style (leftmost placement, unchanged base first): chr2-151492170-AG-A. GRCh37 (hg19) VCF-style: chr2-152348684-AG-A.
Other names: c.24984del, p.Tyr8329fs (NM_001164507.2); c.25089del, p.Tyr8364fs (NM_001271208.2); c.19416del, p.Tyr6473fs (NM_004543.5); short protein forms Y6473fs, Y8329fs, Y8364fs.
Identifiers: ClinVar variation 5014844 (VCV005014844.1).
Genomic context (GRCh38, chr2:151,492,170, plus strand): 5'-CCTGATCTTGGTCATTCCGTTTTTGTTCCATTTCTACCACTTTCCTCTGAATACCTCGGT[AG>A]TTAATGTCACTGAAGTCCTGCATGTTCTTCTTTACTCGTTCAGTGATAGGATCTGTCACC-3'

ClinVar aggregate classification (germline): Pathogenic (1 of 4 stars; one submission).

Conditions:
Nemaline myopathy 2 (NEM2). Also called: Nemaline myopathy 2, autosomal recessive. Identifiers: MedGen C1850569, MONDO:0009725, OMIM 256030.

Submission:

Myriad Genetics, Inc.
Classification: Pathogenic for Nemaline myopathy 2. Last evaluated: 2025-08-09. Review status: criteria provided, single submitter. Criteria: Myriad Autosomal Dominant, Autosomal Recessive and X-Linked Classification Criteria (2023). Collection method: clinical testing. Allele origin: unknown.
Comment: NM_001271208.1(NEB):c.25089delC(Y8364Tfs*9) is expected to be pathogenic in the context of NEB-related nemaline myopathy. This variant is predicted to lead to an abnormal or absent protein product due to the creation of a premature termination codon in NEB, a gene where loss-of-function variants are known to be pathogenic. Please note: this variant was assessed in the context of healthy population screening.